The following is an entry in ClinVar:

NM_006420.3(ARFGEF2):c.1579G>A (p.Ala527Thr)

Gene: ARFGEF2 (ARF guanine nucleotide exchange factor 2; plus strand). Cytogenetic location: 20q13.13.
Variant type: single nucleotide variant.
Coding change: c.1579G>A on transcript NM_006420.3 (MANE Select); coding-DNA position 1579, G replaced by A.
Protein change: p.Ala527Thr; replaces alanine 527 with threonine.
Molecular consequence: missense variant.
Genome position (GRCh38, 1-based): chr20:48,973,198, G>A. VCF-style: chr20-48973198-G-A. GRCh37 (hg19) VCF-style: chr20-47589735-G-A.
Other names: c.1576G>A, p.Ala526Thr (NM_001410846.1); short protein forms A526T, A527T.
Identifiers: ClinVar variation 4762031 (VCV004762031.1).

ClinVar aggregate classification (germline): Uncertain significance (1 of 4 stars; one submission).

gnomAD v4.1: 6 of 1,614,034 alleles (0.00037%); highest among the groups gnomAD compares: Non-Finnish European, 0.00051%; no homozygotes.

Submission:

Labcorp Genetics (formerly Invitae), Labcorp
Classification: Uncertain significance. Last evaluated: 2025-08-17. Review status: criteria provided, single submitter. Criteria: Invitae Variant Classification Sherloc (09022015). Collection method: clinical testing. Allele origin: germline.
Comment: This sequence change replaces alanine, which is neutral and non-polar, with threonine, which is neutral and polar, at codon 527 of the ARFGEF2 protein (p.Ala527Thr). This variant is present in population databases (no rsID available, gnomAD 0.05%). This variant has not been reported in the literature in individuals affected with ARFGEF2-related conditions. An algorithm developed to predict the effect of missense changes on protein structure and function (PolyPhen-2) suggests that this variant is likely to be tolerated. In summary, the available evidence is currently insufficient to determine the role of this variant in disease. Therefore, it has been classified as a Variant of Uncertain Significance.